The following is an entry in ClinVar:

NC_000010.10:g.(?_14977442)_(14996029_?)del

Gene: DCLRE1C (DNA cross-link repair 1C; minus strand). Cytogenetic location: 10p13.
Variant type: Deletion.
Identifiers: ClinVar variation 2423519 (VCV002423519.3).

ClinVar aggregate classification (germline): Pathogenic (1 of 4 stars; one submission).

Conditions:
Severe combined immunodeficiency due to DCLRE1C deficiency (RS-SCID). Also called: SCID, AUTOSOMAL RECESSIVE, T CELL-NEGATIVE, B CELL-NEGATIVE, NK CELL-POSITIVE, WITH SENSITIVITY TO IONIZING RADIATION. Identifiers: Orphanet 275, MedGen C1865371, MONDO:0011225, OMIM 602450.

Submission:

Labcorp Genetics (formerly Invitae), Labcorp
Classification: Pathogenic for Athabaskan severe combined immunodeficiency. Last evaluated: 2022-04-14. Review status: criteria provided, single submitter. Criteria: Invitae Variant Classification Sherloc (09022015). Collection method: clinical testing. Allele origin: germline.
Comment: This variant is a gross deletion of the genomic region encompassing exon(s) 1-6 of the DCLRE1C gene, which includes the initiator codon. The 5' end of this event is unknown as it extends beyond the assayed region for this gene and therefore may encompass additional genes. The 3' boundary is likely confined to intron 6 of the DCLRE1C gene. It is expected to result in an absent or disrupted protein product. Loss-of-function variants in DCLRE1C are known to be pathogenic (PMID: 21664875, 26123418). This variant has not been reported in the literature in individuals affected with DCLRE1C-related conditions. ClinVar contains an entry for this variant (Variation ID: 944601). For these reasons, this variant has been classified as Pathogenic.

Literature cited by the submitters: PubMed 21664875; PubMed 26123418.